The following is an entry in ClinVar:

NM_007327.4(GRIN1):c.2479G>A (p.Gly827Arg)

Gene: GRIN1 (glutamate ionotropic receptor NMDA type subunit 1; plus strand). Cytogenetic location: 9q34.3.
Variant type: single nucleotide variant.
Coding change: c.2479G>A on transcript NM_007327.4 (MANE Select); coding-DNA position 2479, G replaced by A.
Protein change: p.Gly827Arg; replaces glycine 827 with arginine.
Molecular consequence: missense variant.
Genome position (GRCh38, 1-based): chr9:137,163,794, G>A. VCF-style: chr9-137163794-G-A. GRCh37 (hg19) VCF-style: chr9-140058246-G-A.
Other names: c.2479G>A, p.Gly827Arg (NM_000832.7, NM_021569.4); c.2542G>A, p.Gly848Arg (NM_001185090.2, NM_001185091.2); short protein forms G827R, G848R.
Identifiers: ClinVar variation 487503 (VCV000487503.51), dbSNP rs1451230055, ClinGen allele CA375726453.

ClinVar aggregate classification (germline): Pathogenic/Likely pathogenic. Review status: criteria provided, multiple submitters, no conflicts (2 of 4 stars). 7 submissions from 7 submitters: Pathogenic (5); Likely pathogenic (1). 1 of the submissions does not count toward it. Last evaluated 2022-11-30.

Conditions:
Neurodevelopmental disorder with or without hyperkinetic movements and seizures, autosomal dominant. Also called: Intellectual disability, autosomal dominant 8. Identifiers: MedGen C3280282, MONDO:0013655, OMIM 614254.
Neurodevelopmental disorder with or without hyperkinetic movements and seizures, autosomal recessive. Identifiers: MedGen C4693325, MONDO:0060629, OMIM 617820.
Developmental and epileptic encephalopathy 101 (DEE101). Identifiers: MedGen C5676955, MONDO:0030727, OMIM 619814.
Neurodevelopmental disorder. Identifiers: MedGen C1535926, MeSH D065886, MONDO:0700092.
NEURODEVELOPMENTAL DISORDER WITH HYPERKINETIC MOVEMENTS AND WITH OR WITHOUT SEIZURES, AUTOSOMAL DOMINANT.

Submissions (7):

Institute of Immunology and Genetics Kaiserslautern
Classification: Pathogenic for Neurodevelopmental disorder with or without hyperkinetic movements and seizures, autosomal dominant. Last evaluated: 2022-11-30. Review status: criteria provided, single submitter. Criteria: ACMG Guidelines, 2015. Collection method: clinical testing. Allele origin: de novo. Affected: yes.
Comment: ACMG Criteria: PS2, PS3, PM1,PM2_P, PP3, PP5; Variant was found in heterozygous state. De novo-status was confirmed via in-house segregation analysis.

Laboratory of Molecular Genetics (Pr. Bezieau's lab), CHU de Nantes
Classification: Pathogenic for Neurodevelopmental disorder. Last evaluated: 2020-10-06. Review status: criteria provided, single submitter. Criteria: ACMG Guidelines, 2015. Collection method: clinical testing. Allele origin: germline. Affected: yes.

GeneDx
Classification: Pathogenic. Last evaluated: 2020-04-02. Review status: criteria provided, single submitter. Criteria: GeneDx Variant Classification Process June 2021. Collection method: clinical testing. Allele origin: germline. Affected: yes.
Comment: Published functional studies demonstrate G827R dramatically alters receptor gating (Amin et al., 2018); No data available from ethnically-matched control populations to assess the frequency of this variant; This variant is associated with the following publications: (PMID: 33144682, 30139991, 29365063, 30217972, 25326635, 29124671, 28389307, 27652284, 26633542, 27164704)

CeGaT Center for Human Genetics Tuebingen
Classification: Pathogenic. Last evaluated: 2017-04-01. Review status: criteria provided, single submitter. Criteria: CeGaT Center For Human Genetics Tuebingen Variant Classification Criteria Version 2. Collection method: clinical testing. Allele origin: germline. Affected: yes. Observed: 1 variant allele.

Baylor Genetics
Classification: Pathogenic for Neurodevelopmental disorder with or without hyperkinetic movements and seizures, autosomal dominant. Review status: criteria provided, single submitter. Criteria: ACMG Guidelines, 2015. Collection method: clinical testing. Allele origin: unknown.

Juno Genomics, Hangzhou Juno Genomics, Inc
Classification: Likely pathogenic for Developmental and epileptic encephalopathy 101; Neurodevelopmental disorder with or without hyperkinetic movements and seizures, autosomal dominant; Neurodevelopmental disorder with or without hyperkinetic movements and seizures, autosomal recessive. Review status: criteria provided, single submitter. Criteria: ACMG Guidelines, 2015. Collection method: clinical testing. Allele origin: germline. Affected: yes.
Comment: Absent from controls (or at extremely low frequency if recessive) in Genome Aggregation Database, Exome Sequencing Project, 1000 Genomes Project, or Exome Aggregation Consortium.;Well-established in vitro or in vivo functional studies supportive of a damaging effect on the gene or gene product.;Missense variant in a gene that has a low rate of benign missense variation and where missense variants are a common mechanism of disease.;The prevalence of the variant in affected individuals is significantly increased compared to the prevalence in controls.;Assumed de novo, but without confirmation of paternity and maternity.;Patient's phenotype or family history is highly specific for a disease with a single genetic etiology.

OMIM
Classification: Pathogenic for NEURODEVELOPMENTAL DISORDER WITH HYPERKINETIC MOVEMENTS AND WITH OR WITHOUT SEIZURES, AUTOSOMAL DOMINANT. Last evaluated: 2022-03-28. Review status: no assertion criteria provided. Collection method: literature only. Allele origin: germline. Not counted in ClinVar's aggregate classification.

Literature cited by the submitters: PubMed 25326635 (cited by Baylor Genetics); PubMed 27164704 (cited by OMIM).